The following is an entry in ClinVar:

NM_000199.5(SGSH):c.302T>C (p.Phe101Ser)

Gene: SGSH (N-sulfoglucosamine sulfohydrolase; minus strand). Cytogenetic location: 17q25.3.
Variant type: single nucleotide variant.
Coding change: c.302T>C on transcript NM_000199.5 (MANE Select); coding-DNA position 302, T replaced by C.
Protein change: p.Phe101Ser; replaces phenylalanine 101 with serine.
Molecular consequence: missense variant.
Genome position (GRCh38, 1-based): chr17:80,215,086, A>G on the plus strand (T>C on the coding strand, the complement: SGSH is on the minus strand). VCF-style: chr17-80215086-A-G. GRCh37 (hg19) VCF-style: chr17-78188885-A-G.
Other names: c.302T>C (NM_000199.3); c.302T>C, p.Phe101Ser (NM_001352921.3, NM_001352922.2); short protein forms F101S.
Identifiers: ClinVar variation 1353938 (VCV001353938.8), dbSNP rs1211675075, ClinGen allele CA401363769.
Genomic context (GRCh38, chr17:80,215,086, plus strand): 5'-TCCTCACCTGTGCGCACACCAGCTTGGCTGAGCAGCAGCGGCAGGCTCCGCACCTTGTCG[A>G]AGGAGTTGAAGTGGTGCACGTCCTGGTGCAGCCCGTACATCCCATTCTGATGCTGCCAGC-3'
Protein context (NP_000190.1, residues 91-111): LHQDVHHFNS[Phe101Ser]DKVRSLPLLL

ClinVar aggregate classification (germline): Pathogenic/Likely pathogenic. Review status: criteria provided, multiple submitters, no conflicts (2 of 4 stars). 3 submissions from 3 submitters: Pathogenic (1); Likely pathogenic (2). Last evaluated 2025-11-17.

Conditions:
Mucopolysaccharidosis, MPS-III-A (MPS3A). Also called: Mucopolysaccharidosis, type IIIA; mucopolysaccharidosis type 3A; MPS IIIA (Sanfilippo Syndrome Type A); HEPARAN SULFATE SULFATASE DEFICIENCY; Mucopolysaccharidosis type IIIA (Sanfilippo A); SANFILIPPO SYNDROME A. Identifiers: Orphanet 581, Orphanet 79269, MedGen C0086647, MONDO:0009655, OMIM 252900.
SGSH-related disorder. Also called: SGSH-related condition.

Allele frequency attached by ClinVar (database versions not stated): TOPMed below 0.00001; gnomAD 0.00001.
gnomAD v4.1: 1 of 1,612,266 alleles (0.000062%); highest among the groups gnomAD compares: Admixed American, 0.0017%; no homozygotes.

Submissions (3):

PreventionGenetics, part of Exact Sciences
Classification: Likely pathogenic for SGSH-related condition. Last evaluated: 2025-11-17. Review status: criteria provided, single submitter. Criteria: ACMG Guidelines, 2015. Collection method: clinical testing. Allele origin: germline.
Comment: The SGSH c.302T>C variant is predicted to result in the amino acid substitution p.Phe101Ser. This variant was reported in the homozygous state in two siblings with features of mucopolysaccharidosis (Wen et al. 2017. PubMed ID: 28283807). This variant has not been reported in a large population database (gnomAD), indicating this variant is rare. Another variant disrupting this amino acid position (p.Phe101del) has been reported as pathogenic (Pollard et al. 2013. PubMed ID: 22976768). This variant is interpreted as likely pathogenic.

Women's Health and Genetics/Laboratory Corporation of America, LabCorp
Classification: Likely pathogenic for Mucopolysaccharidosis, MPS-III-A. Last evaluated: 2024-05-15. Review status: criteria provided, single submitter. Criteria: LabCorp Variant Classification Summary - May 2015. Collection method: clinical testing. Allele origin: germline.
Comment: Variant summary: SGSH c.302T>C (p.Phe101Ser) results in a non-conservative amino acid change located in the Sulfatase, N-terminal (IPR000917) of the encoded protein sequence. Three of five in-silico tools predict a damaging effect of the variant on protein function. The variant was absent in 249416 control chromosomes. c.302T>C has been reported in the literature in homozygous individuals affected with Mucopolysaccharidosis Type IIIA (Sanfilippo Syndrome A) (Wen_2017). These data indicate that the variant is likely to be associated with disease. To our knowledge, no experimental evidence demonstrating an impact on protein function has been reported. The following publication has been ascertained in the context of this evaluation (PMID: 28283807). ClinVar contains an entry for this variant (Variation ID: 1353938). Based on the evidence outlined above, the variant was classified as likely pathogenic.

Labcorp Genetics (formerly Invitae), Labcorp
Classification: Pathogenic for Mucopolysaccharidosis, MPS-III-A. Last evaluated: 2024-01-16. Review status: criteria provided, single submitter. Criteria: Invitae Variant Classification Sherloc (09022015). Collection method: clinical testing. Allele origin: germline.
Comment: This sequence change replaces phenylalanine, which is neutral and non-polar, with serine, which is neutral and polar, at codon 101 of the SGSH protein (p.Phe101Ser). This variant is not present in population databases (gnomAD no frequency). This missense change has been observed in individual(s) with clinical features of mucopolysaccharidosis type IIIA (PMID: 28283807). It has also been observed to segregate with disease in related individuals. ClinVar contains an entry for this variant (Variation ID: 1353938). Advanced modeling of protein sequence and biophysical properties (such as structural, functional, and spatial information, amino acid conservation, physicochemical variation, residue mobility, and thermodynamic stability) has been performed at Invitae for this missense variant, however the output from this modeling did not meet the statistical confidence thresholds required to predict the impact of this variant on SGSH protein function. This variant disrupts the p.Phe101 amino acid residue in SGSH. Other variant(s) that disrupt this residue have been determined to be pathogenic (Invitae). This suggests that this residue is clinically significant, and that variants that disrupt this residue are likely to be disease-causing. For these reasons, this variant has been classified as Pathogenic.

Literature cited by the submitters: PubMed 28283807 (cited by Women's Health and Genetics/Laboratory Corporation of America, LabCorp and Labcorp Genetics (formerly Invitae), Labcorp).